The following is an entry in ClinVar:

ClinVar aggregate classification (germline): Likely benign. Review status: criteria provided, multiple submitters, no conflicts (2 of 4 stars). 3 submissions from 3 submitters: Likely benign (2). 1 of the submissions does not count toward it. Last evaluated 2025-12-08.

Conditions:
TRAIP-related disorder. Also called: TRAIP-related condition.
Inborn genetic diseases. Identifiers: MedGen C0950123, MeSH D030342.

Allele frequency attached by ClinVar (database versions not stated): gnomAD exomes 0.00009 and 0.00023; ExAC 0.00028; 1000 Genomes Project 30x 0.00031; 1000 Genomes Project 0.00040; gnomAD 0.00073 and 0.00083; TOPMed 0.00088; ESP Exome Variant Server 0.00123.
gnomAD v4.1: 247 of 1,614,172 alleles (0.015%); highest among the groups gnomAD compares: African/African-American, 0.32%; no homozygotes.

Submissions (3):

Ambry Genetics
Classification: Likely benign for Inborn genetic diseases. Last evaluated: 2025-12-08. Review status: criteria provided, single submitter. Criteria: Ambry Variant Classification Scheme 2023. Collection method: clinical testing. Allele origin: germline.

Labcorp Genetics (formerly Invitae), Labcorp
Classification: Likely benign. Last evaluated: 2025-10-06. Review status: criteria provided, single submitter. Criteria: Invitae Variant Classification Sherloc (09022015). Collection method: clinical testing. Allele origin: germline.

PreventionGenetics, part of Exact Sciences
Classification: Likely benign for TRAIP-related condition. Last evaluated: 2023-07-30. Review status: no assertion criteria provided. Collection method: clinical testing. Allele origin: germline. Not counted in ClinVar's aggregate classification.
Comment: This variant is classified as likely benign based on ACMG/AMP sequence variant interpretation guidelines (Richards et al. 2015 PMID: 25741868, with internal and published modifications).

NM_005879.3(TRAIP):c.1067T>C (p.Ile356Thr)

Gene: TRAIP (TRAF interacting protein; minus strand). Cytogenetic location: 3p21.31.
Variant type: single nucleotide variant.
Coding change: c.1067T>C on transcript NM_005879.3 (MANE Select); coding-DNA position 1067, T replaced by C.
Protein change: p.Ile356Thr; replaces isoleucine 356 with threonine.
Molecular consequence: missense variant.
Genome position (GRCh38, 1-based): chr3:49,830,039, A>G on the plus strand (T>C on the coding strand, the complement: TRAIP is on the minus strand). VCF-style: chr3-49830039-A-G. GRCh37 (hg19) VCF-style: chr3-49867472-A-G.
Other names: short protein forms I356T.
Identifiers: ClinVar variation 748949 (VCV000748949.12), dbSNP rs145654028, ClinGen allele CA2407602.